The following is an entry in ClinVar:

NM_000843.4(GRM6):c.1715G>C (p.Arg572Pro)

Genes: GRM6 (glutamate metabotropic receptor 6; minus strand), ZNF454 (zinc finger protein 454; plus strand). Cytogenetic location: 5q35.3.
Variant type: single nucleotide variant.
Coding change: c.1715G>C on transcript NM_000843.4 (MANE Select); coding-DNA position 1715, G replaced by C.
Protein change: p.Arg572Pro; replaces arginine 572 with proline.
Molecular consequence: missense variant.
Genome position (GRCh38, 1-based): chr5:178,986,539, C>G on the plus strand (G>C on the coding strand, the complement: GRM6 is on the minus strand). VCF-style: chr5-178986539-C-G. GRCh37 (hg19) VCF-style: chr5-178413540-C-G.
Other names: short protein forms R572P.
Identifiers: ClinVar variation 2743870 (VCV002743870.3), dbSNP rs921855440, ClinGen allele CA362427489.

ClinVar aggregate classification (germline): Uncertain significance (1 of 4 stars; one submission).

gnomAD v4.1: 1 of 1,607,562 alleles (0.000062%); highest among the groups gnomAD compares: African/African-American, 0.0013%; no homozygotes.

Submission:

Labcorp Genetics (formerly Invitae), Labcorp
Classification: Uncertain significance. Last evaluated: 2024-11-11. Review status: criteria provided, single submitter. Criteria: Invitae Variant Classification Sherloc (09022015). Collection method: clinical testing. Allele origin: germline.
Comment: This sequence change replaces arginine, which is basic and polar, with proline, which is neutral and non-polar, at codon 572 of the GRM6 protein (p.Arg572Pro). This variant is not present in population databases (gnomAD no frequency). This variant has not been reported in the literature in individuals affected with GRM6-related conditions. ClinVar contains an entry for this variant (Variation ID: 2743870). Invitae Evidence Modeling of protein sequence and biophysical properties (such as structural, functional, and spatial information, amino acid conservation, physicochemical variation, residue mobility, and thermodynamic stability) has been performed for this missense variant. However, the output from this modeling did not meet the statistical confidence thresholds required to predict the impact of this variant on GRM6 protein function. In summary, the available evidence is currently insufficient to determine the role of this variant in disease. Therefore, it has been classified as a Variant of Uncertain Significance.